The following is an entry in ClinVar:

NM_007214.5(SEC63):c.1936-12_1936-9del

Gene: SEC63 (SEC63 protein translocation regulator; minus strand). Cytogenetic location: 6q21.
Variant type: Deletion.
Coding change: c.1936-12_1936-9del on transcript NM_007214.5 (MANE Select); 12 bases into the intron before coding-DNA position 1936 through 9 bases into the intron before coding-DNA position 1936, 4 bases deleted (TTTT; older notation c.1936-12_1936-9delTTTT).
Molecular consequence: intron variant.
Genome position (GRCh38, 1-based): chr6:107,876,671-107,876,674, AAAA deleted on the plus strand (TTTT on the coding strand, the reverse complement: SEC63 is on the minus strand); deleting any 4 consecutive bases within chr6:107,876,671-107,876,689 gives the same sequence; the c. name uses the placement nearest the transcript's 3' end. VCF-style (leftmost placement, unchanged base first): chr6-107876670-CAAAA-C. GRCh37 (hg19) VCF-style: chr6-108197874-CAAAA-C.
Other names: p.?.
Identifiers: ClinVar variation 4683216 (VCV004683216.1).

ClinVar aggregate classification (germline): Likely benign (1 of 4 stars; one submission).

Submission:

Mayo Clinic Laboratories, Mayo Clinic
Classification: Likely benign. Last evaluated: 2025-08-26. Review status: criteria provided, single submitter. Criteria: ACMG Guidelines, 2015. Collection method: clinical testing. Allele origin: germline. Observed: 4 variant alleles.
Comment: BS2, BP4, BP7